The following is an entry in ClinVar:

NM_014000.3(VCL):c.1353-233C>T

Gene: VCL (vinculin; plus strand). Cytogenetic location: 10q22.2.
Variant type: single nucleotide variant.
Coding change: c.1353-233C>T on transcript NM_014000.3 (MANE Select); 233 bases into the intron before coding-DNA position 1353, C replaced by T.
Molecular consequence: intron variant.
Genome position (GRCh38, 1-based): chr10:74,094,038, C>T. VCF-style: chr10-74094038-C-T. GRCh37 (hg19) VCF-style: chr10-75853796-C-T.
Other names: c.1353-233C>T (NM_003373.4).
Identifiers: ClinVar variation 678044 (VCV000678044.1), dbSNP rs10824069, ClinGen allele CA13269410.

ClinVar aggregate classification (germline): Benign (1 of 4 stars; one submission).

Allele frequency attached by ClinVar (database versions not stated): 1000 Genomes Project 0.61042; 1000 Genomes Project 30x 0.61899; TOPMed 0.71608; gnomAD 0.71652 and 0.72697.
gnomAD v4.1: 108,975 of 152,096 alleles (72%); highest among the groups gnomAD compares: Middle Eastern, 84%; 39,710 homozygotes.

Submission:

GeneDx
Classification: Benign. Last evaluated: 2018-06-14. Review status: criteria provided, single submitter. Criteria: GeneDx Variant Classification (06012015). Collection method: clinical testing. Allele origin: germline. Affected: yes.
Comment: This variant is considered likely benign or benign based on one or more of the following criteria: it is a conservative change, it occurs at a poorly conserved position in the protein, it is predicted to be benign by multiple in silico algorithms, and/or has population frequency not consistent with disease.